The following is an entry in ClinVar:

ClinVar aggregate classification (germline): Uncertain significance. Review status: criteria provided, multiple submitters, no conflicts (2 of 4 stars). 2 submissions from 2 submitters: Uncertain significance (2). Last evaluated 2021-12-23.

Conditions:
Primary ciliary dyskinesia. Also called: Ciliary dyskinesia. Identifiers: Orphanet 244, MedGen C0008780, MONDO:0016575, HP:0012265.

Allele frequency attached by ClinVar (database versions not stated): ExAC 0.00002; gnomAD exomes 0.00002 and 0.00004.
gnomAD v4.1: 12 of 1,614,192 alleles (0.00074%); highest among the groups gnomAD compares: Admixed American, 0.018%; no homozygotes.

Submissions (2):

Labcorp Genetics (formerly Invitae), Labcorp
Classification: Uncertain significance for Primary ciliary dyskinesia. Last evaluated: 2021-12-23. Review status: criteria provided, single submitter. Criteria: Invitae Variant Classification Sherloc (09022015). Collection method: clinical testing. Allele origin: germline.
Comment: This sequence change replaces glutamic acid, which is acidic and polar, with alanine, which is neutral and non-polar, at codon 118 of the CCDC103 protein (p.Glu118Ala). This variant is present in population databases (rs758916687, gnomAD 0.02%). This variant has not been reported in the literature in individuals affected with CCDC103-related conditions. ClinVar contains an entry for this variant (Variation ID: 843585). Algorithms developed to predict the effect of missense changes on protein structure and function are either unavailable or do not agree on the potential impact of this missense change (SIFT: "Deleterious"; PolyPhen-2: "Probably Damaging"; Align-GVGD: "Class C0"). In summary, the available evidence is currently insufficient to determine the role of this variant in disease. Therefore, it has been classified as a Variant of Uncertain Significance.

Ambry Genetics
Classification: Uncertain significance for Primary ciliary dyskinesia. Last evaluated: 2021-08-10. Review status: criteria provided, single submitter. Criteria: Ambry Variant Classification Scheme 2023. Collection method: clinical testing. Allele origin: germline.
Comment: The p.E118A variant (also known as c.353A>C), located in coding exon 3 of the CCDC103 gene, results from an A to C substitution at nucleotide position 353. The glutamic acid at codon 118 is replaced by alanine, an amino acid with dissimilar properties. This amino acid position is conserved. In addition, this alteration is predicted to be tolerated by in silico analysis. Since supporting evidence is limited at this time, the clinical significance of this alteration remains unclear.

NM_213607.3(DNAAF19):c.353A>C (p.Glu118Ala)

Gene: DNAAF19 (dynein axonemal assembly factor 19; plus strand). Cytogenetic location: 17q21.31.
Variant type: single nucleotide variant.
Coding change: c.353A>C on transcript NM_213607.3 (MANE Select); coding-DNA position 353, A replaced by C.
Protein change: p.Glu118Ala; replaces glutamic acid 118 with alanine.
Molecular consequence: missense variant. On other transcripts: 3 prime UTR variant (3).
Genome position (GRCh38, 1-based): chr17:44,902,441, A>C. VCF-style: chr17-44902441-A-C. GRCh37 (hg19) VCF-style: chr17-42979809-A-C.
Other names: c.353A>C, p.Glu118Ala (NM_001258395.2, NM_001258396.2); c.*103A>C (NM_001258397.3); c.*42A>C (NM_001258398.3, NM_001258399.2); short protein forms E118A.
Identifiers: ClinVar variation 843585 (VCV000843585.9), dbSNP rs758916687, ClinGen allele CA8608360.
Genomic context (GRCh38, chr17:44,902,441, plus strand): 5'-AGCCCGAGACGTCTGCTGACTTCTATCGTGATTGGCGACGACACTTGCCAAGTGGGCCAG[A>C]GCGCTACCAGGCTCTACTGCAGCTTGGGGGTCCAAGGCTCGGCTGCCTCTTCCAGACAGA-3'
Protein context (NP_998772.1, residues 108-128): DWRRHLPSGP[Glu118Ala]RYQALLQLGG